The following is an entry in ClinVar:

NM_203446.3(SYNJ1):c.1208C>T (p.Ala403Val)

Gene: SYNJ1 (synaptojanin 1; minus strand). Cytogenetic location: 21q22.11.
Variant type: single nucleotide variant.
Coding change: c.1208C>T on transcript NM_203446.3 (MANE Select); coding-DNA position 1208, C replaced by T.
Protein change: p.Ala403Val; replaces alanine 403 with valine.
Molecular consequence: missense variant.
Genome position (GRCh38, 1-based): chr21:32,681,641, G>A on the plus strand (C>T on the coding strand, the complement: SYNJ1 is on the minus strand). VCF-style: chr21-32681641-G-A. GRCh37 (hg19) VCF-style: chr21-34053951-G-A.
Other names: c.1208C>T, p.Ala403Val (NM_001160302.2, NM_001160306.2); c.1325C>T, p.Ala442Val (NM_003895.4); short protein forms A403V, A442V.
Identifiers: ClinVar variation 1401228 (VCV001401228.8), dbSNP rs2146048014, ClinGen allele CA410090417.
Genomic context (GRCh38, chr21:32,681,641, plus strand): 5'-TCTTGAAAGCGAGTCACCAACTGAGGCTTTTCAGCTAAACCAAGAGCTTCCAACTGTTTA[G>A]CTAGCATCTTAAAAAGCAAACAAGAAATTTTTATAAGTACATTAATATATTAATTGTAAT-3'
Protein context (NP_982271.3, residues 393-413): VQAFLGLEML[Ala403Val]KQLEALGLAE

ClinVar aggregate classification (germline): Uncertain significance (1 of 4 stars; one submission).

Conditions:
Developmental and epileptic encephalopathy, 53. Also called: Epileptic encephalopathy, early infantile, 53. Identifiers: MedGen C4479313, MONDO:0033362, OMIM 617389.
Early-onset Parkinson disease 20. Also called: PARKINSON DISEASE 20, AUTOSOMAL RECESSIVE EARLY-ONSET. Identifiers: Orphanet 391411, MedGen C3809824, MONDO:0014233, OMIM 615530.

Allele frequency attached by ClinVar (database versions not stated): gnomAD exomes below 0.00001.
gnomAD v4.1: 1 of 1,607,376 alleles (0.000062%); highest among the groups gnomAD compares: Admixed American, 0.0017%; no homozygotes.

Submission:

Labcorp Genetics (formerly Invitae), Labcorp
Classification: Uncertain significance for Developmental and epileptic encephalopathy, 53; Early-onset Parkinson disease 20. Last evaluated: 2021-06-16. Review status: criteria provided, single submitter. Criteria: Invitae Variant Classification Sherloc (09022015). Collection method: clinical testing. Allele origin: germline.
Comment: In summary, the available evidence is currently insufficient to determine the role of this variant in disease. Therefore, it has been classified as a Variant of Uncertain Significance. Algorithms developed to predict the effect of missense changes on protein structure and function (SIFT, PolyPhen-2, Align-GVGD) all suggest that this variant is likely to be tolerated, but these predictions have not been confirmed by published functional studies and their clinical significance is uncertain. This variant has not been reported in the literature in individuals with SYNJ1-related conditions. This variant is not present in population databases (ExAC no frequency). This sequence change replaces alanine with valine at codon 442 of the SYNJ1 protein (p.Ala442Val). The alanine residue is weakly conserved and there is a small physicochemical difference between alanine and valine.